The following is an entry in ClinVar:

NM_000179.3(MSH6):c.3294C>A (p.Cys1098Ter)

Gene: MSH6 (mutS homolog 6; plus strand). Cytogenetic location: 2p16.3.
Variant type: single nucleotide variant.
Coding change: c.3294C>A on transcript NM_000179.3 (MANE Select); coding-DNA position 3294, C replaced by A.
Protein change: p.Cys1098Ter; replaces cysteine 1098 with a stop codon.
Molecular consequence: nonsense.
Genome position (GRCh38, 1-based): chr2:47,803,541, C>A. VCF-style: chr2-47803541-C-A. GRCh37 (hg19) VCF-style: chr2-48030680-C-A.
Other names: c.2904C>A, p.Cys968Ter (NM_001281492.2); c.2388C>A, p.Cys796Ter (NM_001281493.2, NM_001281494.2, NM_001406811.1 and 6 more transcripts); c.3390C>A, p.Cys1130Ter (NM_001406795.1, NM_001406802.1); c.3294C>A, p.Cys1098Ter (NM_001406796.1, NM_001406800.1, NM_001406808.1 and 1 more transcripts); c.2997C>A, p.Cys999Ter (NM_001406797.1, NM_001406801.1, NM_001406805.1 and 10 more transcripts); c.2769C>A, p.Cys923Ter (NM_001406799.1, NM_001406806.1, NM_001406807.1); c.2430C>A, p.Cys810Ter (NM_001406803.1); c.3216C>A, p.Cys1072Ter (NM_001406804.1); and 6 more; short protein forms C1072*, C1100*, C25*, C999*, C1042*, C413*, C47*, C576*.
Identifiers: ClinVar variation 1729871 (VCV001729871.7), dbSNP rs766341781, ClinGen allele CA346758458.
Genomic context (GRCh38, chr2:47,803,541, plus strand): 5'-AATTCTGTTGCCGGAAGATACCCCCCCCTTCTTAGAGCTTAAAGGATCACGCCATCCTTG[C>A]ATTACGAAGACTTTTTTTGGAGATGATTTTATTCCTAATGACATTCTAATAGGCTGTGAG-3'

ClinVar aggregate classification (germline): Pathogenic. Review status: criteria provided, multiple submitters, no conflicts (2 of 4 stars). 3 submissions from 3 submitters: Pathogenic (3). Last evaluated 2024-09-19.

Conditions:
Hereditary nonpolyposis colorectal neoplasms. Identifiers: MedGen C0009405, MeSH D003123.
Hereditary cancer-predisposing syndrome. Also called: Neoplastic Syndromes, Hereditary; Tumor predisposition; Hereditary Cancer Syndrome; Hereditary neoplastic syndrome. Identifiers: Orphanet 140162, MedGen C0027672, MeSH D009386, MONDO:0015356.
Lynch syndrome 5 (LYNCH5). Also called: Hereditary non-polyposis colorectal cancer, type 5; Colorectal cancer, hereditary nonpolyposis, type 5. Identifiers: Orphanet 144, MedGen C1833477, MONDO:0013710, OMIM 614350. Disease mechanism: loss of function.

Submissions (3):

Ambry Genetics
Classification: Pathogenic for Hereditary cancer-predisposing syndrome. Last evaluated: 2024-09-19. Review status: criteria provided, single submitter. Criteria: Ambry Variant Classification Scheme 2023. Collection method: clinical testing. Allele origin: germline.
Comment: The p.C1098* pathogenic mutation (also known as c.3294C>A), located in coding exon 5 of the MSH6 gene, results from a C to A substitution at nucleotide position 3294. This changes the amino acid from a cysteine to a stop codon within coding exon 5. This variant is considered to be rare based on population cohorts in the Genome Aggregation Database (gnomAD). This alteration is expected to result in loss of function by premature protein truncation or nonsense-mediated mRNA decay. As such, this alteration is interpreted as a disease-causing mutation.

Myriad Genetics, Inc.
Classification: Pathogenic for Lynch syndrome 5. Last evaluated: 2023-08-22. Review status: criteria provided, single submitter. Criteria: Myriad Autosomal Dominant, Autosomal Recessive and X-Linked Classification Criteria (2023). Collection method: clinical testing. Allele origin: unknown.
Comment: This variant is considered pathogenic. This variant creates a termination codon and is predicted to result in premature protein truncation.

Labcorp Genetics (formerly Invitae), Labcorp
Classification: Pathogenic for Hereditary nonpolyposis colorectal neoplasms. Last evaluated: 2023-08-03. Review status: criteria provided, single submitter. Criteria: Invitae Variant Classification Sherloc (09022015). Collection method: clinical testing. Allele origin: germline.
Comment: This sequence change creates a premature translational stop signal (p.Cys1098*) in the MSH6 gene. It is expected to result in an absent or disrupted protein product. Loss-of-function variants in MSH6 are known to be pathogenic (PMID: 18269114, 24362816). This variant is not present in population databases (gnomAD no frequency). This premature translational stop signal has been observed in individual(s) with MSH6-related conditions (PMID: 30521064). ClinVar contains an entry for this variant (Variation ID: 1729871). For these reasons, this variant has been classified as Pathogenic.

Literature cited by the submitters: PubMed 18269114 (cited by Labcorp Genetics (formerly Invitae), Labcorp); PubMed 24362816 (cited by Labcorp Genetics (formerly Invitae), Labcorp); PubMed 30521064 (cited by Labcorp Genetics (formerly Invitae), Labcorp).